The following is an entry in ClinVar:

ClinVar aggregate classification (germline): Uncertain significance. Review status: criteria provided, multiple submitters, no conflicts (2 of 4 stars). 3 submissions from 3 submitters: Uncertain significance (2). 1 of the submissions does not count toward it. Last evaluated 2024-05-04.

Conditions:
DCTN1-related disorder. Also called: DCTN1-related condition.
Amyotrophic lateral sclerosis type 1 (ALS1). Also called: AMYOTROPHIC LATERAL SCLEROSIS 1, FAMILIAL. Identifiers: Orphanet 803, MedGen C1862939, MONDO:0007103, OMIM 105400.
Perry syndrome. Also called: PARKINSONISM WITH ALVEOLAR HYPOVENTILATION AND MENTAL DEPRESSION. Identifiers: Orphanet 178509, MedGen C1868594, MONDO:0008201, OMIM 168605.
Neuronopathy, distal hereditary motor, type 7B. Also called: Distal Hereditary Motor Neuronopathy Type 7B (dHMN7B); HMN VIIB; LOWER MOTOR NEURON DISEASE, DYNACTIN TYPE; NEURONOPATHY, DISTAL HEREDITARY MOTOR, AUTOSOMAL DOMINANT 14; NEURONOPATHY, DISTAL HEREDITARY MOTOR, HARDING TYPE VIIB; NEUROPATHY, DISTAL HEREDITARY MOTOR, HARDING TYPE VIIB. Identifiers: Orphanet 139589, MedGen C1843315, MONDO:0011879, OMIM 607641.

Allele frequency attached by ClinVar (database versions not stated): gnomAD exomes 0.00001 and 0.00004; TOPMed 0.00002; gnomAD 0.00004 and 0.00003.
gnomAD v4.1: 60 of 1,614,004 alleles (0.0037%); highest among the groups gnomAD compares: African/African-American, 0.0053%; no homozygotes.

Submissions (3):

Labcorp Genetics (formerly Invitae), Labcorp
Classification: Uncertain significance for Amyotrophic lateral sclerosis type 1; Neuronopathy, distal hereditary motor, type 7B; Perry syndrome. Last evaluated: 2024-05-04. Review status: criteria provided, single submitter. Criteria: Invitae Variant Classification Sherloc (09022015). Collection method: clinical testing. Allele origin: germline.
Comment: This sequence change replaces methionine, which is neutral and non-polar, with valine, which is neutral and non-polar, at codon 442 of the DCTN1 protein (p.Met442Val). This variant is present in population databases (rs763480310, gnomAD 0.002%). This variant has not been reported in the literature in individuals affected with DCTN1-related conditions. ClinVar contains an entry for this variant (Variation ID: 468257). Advanced modeling of protein sequence and biophysical properties (such as structural, functional, and spatial information, amino acid conservation, physicochemical variation, residue mobility, and thermodynamic stability) performed at Invitae indicates that this missense variant is not expected to disrupt DCTN1 protein function with a negative predictive value of 80%. In summary, the available evidence is currently insufficient to determine the role of this variant in disease. Therefore, it has been classified as a Variant of Uncertain Significance.

Women's Health and Genetics/Laboratory Corporation of America, LabCorp
Classification: Uncertain significance. Last evaluated: 2023-07-06. Review status: criteria provided, single submitter. Criteria: LabCorp Variant Classification Summary - May 2015. Collection method: clinical testing. Allele origin: germline.
Comment: Variant summary: DCTN1 c.1324A>G (p.Met442Val) results in a conservative amino acid change in the encoded protein sequence. Four of five in-silico tools predict a benign effect of the variant on protein function. The variant allele was found at a frequency of 1.2e-05 in 251490 control chromosomes (gnomAD). The available data on variant occurrences in the general population are insufficient to allow any conclusion about variant significance. c.1324A>G has been reported in the literature in at least one individual affected with distal Hereditary Motor Neuronopathy (Antoniadi_2015). This report does not provide unequivocal conclusions about association of the variant with DCTN1-Related Disorders. To our knowledge, no experimental evidence demonstrating an impact on protein function has been reported. The following publication has been ascertained in the context of this evaluation (PMID: 26392352). One ClinVar submitter has assessed this variant since 2014, and classified the variant as uncertain significance. Based on the evidence outlined above, the variant was classified as uncertain significance.

PreventionGenetics, part of Exact Sciences
Classification: Uncertain significance for DCTN1-related condition. Last evaluated: 2024-09-05. Review status: no assertion criteria provided. Collection method: clinical testing. Allele origin: germline. Not counted in ClinVar's aggregate classification.
Comment: The DCTN1 c.1324A>G variant is predicted to result in the amino acid substitution p.Met442Val. This variant has been reported as a variant of uncertain significance in an individual with hereditary motor neuropathy (Table S3, Antoniadi et al. 2015. PubMed ID: 26392352). This variant is reported in 0.0018% of alleles in individuals of European (Non-Finnish) descent in gnomAD. At this time, the clinical significance of this variant is uncertain due to the absence of conclusive functional and genetic evidence.

Literature cited by the submitters: PubMed 26392352 (cited by Women's Health and Genetics/Laboratory Corporation of America, LabCorp).

NM_004082.5(DCTN1):c.1324A>G (p.Met442Val)

Gene: DCTN1 (dynactin subunit 1; minus strand). Cytogenetic location: 2p13.1.
Variant type: single nucleotide variant.
Coding change: c.1324A>G on transcript NM_004082.5 (MANE Select); coding-DNA position 1324, A replaced by G.
Protein change: p.Met442Val; replaces methionine 442 with valine.
Molecular consequence: missense variant. On other transcripts: non-coding transcript variant (1).
Genome position (GRCh38, 1-based): chr2:74,370,033, T>C on the plus strand (A>G on the coding strand, the complement: DCTN1 is on the minus strand). VCF-style: chr2-74370033-T-C. GRCh37 (hg19) VCF-style: chr2-74597160-T-C.
Other names: c.1264A>G, p.Met422Val (NM_001135040.3); c.922A>G, p.Met308Val (NM_001135041.3, NM_023019.4); c.1213A>G, p.Met405Val (NM_001190836.2); c.1303A>G, p.Met435Val (NM_001190837.2); c.1273A>G, p.Met425Val (NM_001378991.1); c.1255A>G, p.Met419Val (NM_001378992.1); short protein forms M308V, M442V, M405V, M435V, M422V, M419V, M425V.
Identifiers: ClinVar variation 468257 (VCV000468257.10), dbSNP rs763480310, ClinGen allele CA50476785.
Genomic context (GRCh38, chr2:74,370,033, plus strand): 5'-CCACAGTCTCCCTCAACTCGCGCACTTTCTCTTCCAGATTCAGGTTCCGATCTGTCAGCA[T>C]CTCCACCATCTCCTCAGCACCCAGAGCAGCATCCACCTGTGTTACGGGGAGGATAGGGAG-3'
Protein context (NP_004073.2, residues 432-452): AALGAEEMVE[Met442Val]LTDRNLNLEE